The following is an entry in ClinVar:

NM_000089.4(COL1A2):c.2675G>A (p.Gly892Asp)

Gene: COL1A2 (collagen type I alpha 2 chain; plus strand). Cytogenetic location: 7q21.3.
Variant type: single nucleotide variant.
Coding change: c.2675G>A on transcript NM_000089.4 (MANE Select); coding-DNA position 2675, G replaced by A.
Protein change: p.Gly892Asp; replaces glycine 892 with aspartic acid.
Molecular consequence: missense variant.
Genome position (GRCh38, 1-based): chr7:94,425,118, G>A. VCF-style: chr7-94425118-G-A. GRCh37 (hg19) VCF-style: chr7-94054430-G-A.
Other names: short protein forms G892D.
Identifiers: ClinVar variation 1458888 (VCV001458888.8), dbSNP rs72659304, ClinGen allele CA162939346.
Genomic context (GRCh38, chr7:94,425,118, plus strand): 5'-GGAAGGTTAGCATTCCATCGAATAAGGGGAATGTCATTTTATCTTCTCTGCCTGTTTAGG[G>A]TGAACCTGGTCCTCTTGGCATTGCCGGCCCTCCTGGGGCCCGTGGTCCTCCTGGTGCTGT-3'
Protein context (NP_000080.2, residues 882-902): RGLPGVAGAV[Gly892Asp]EPGPLGIAGP

ClinVar aggregate classification (germline): Pathogenic (1 of 4 stars; one submission).

Conditions:
Ehlers-Danlos syndrome, classic type, 1 (EDSCL1). Also called: EHLERS-DANLOS SYNDROME, GRAVIS TYPE; EHLERS-DANLOS SYNDROME, SEVERE CLASSIC TYPE; Ehlers-Danlos syndrome, type 1; Ehlers-Danlos Syndrome, Classic Type, COL5A1-Related; EDS I. Identifiers: MedGen C0268335, MONDO:0019567, OMIM 130000.
Osteogenesis imperfecta type I (OI1). Also called: OI, TYPE I; OSTEOGENESIS IMPERFECTA TARDA; OSTEOGENESIS IMPERFECTA WITH BLUE SCLERAE; Osteogenesis imperfecta type 1; Lobstein's Disease; Lobstein disease. Identifiers: Orphanet 216796, Orphanet 666, MedGen C0023931, MONDO:0008146, OMIM 166200. Disease mechanism: loss of function.

Submission:

Labcorp Genetics (formerly Invitae), Labcorp
Classification: Pathogenic for Osteogenesis imperfecta type I; Ehlers-Danlos syndrome, classic type, 1. Last evaluated: 2022-06-13. Review status: criteria provided, single submitter. Criteria: Invitae Variant Classification Sherloc (09022015). Collection method: clinical testing. Allele origin: germline.
Comment: This sequence change replaces glycine, which is neutral and non-polar, with aspartic acid, which is acidic and polar, at codon 892 of the COL1A2 protein (p.Gly892Asp). This variant is not present in population databases (gnomAD no frequency). This missense change has been observed in individual(s) with autosomal dominant osteogenesis imperfecta (PMID: 8800927). In at least one individual the variant was observed to be de novo. This variant is also known as Gly802Asp. Algorithms developed to predict the effect of missense changes on protein structure and function are either unavailable or do not agree on the potential impact of this missense change (SIFT: "Deleterious"; PolyPhen-2: "Not Available"; Align-GVGD: "Class C65"). This variant disrupts the triple helix domain of COL1A2. Glycine residues within the Gly-Xaa-Yaa repeats of the triple helix domain are required for the structure and stability of fibrillar collagens (PMID: 7695699, 8218237, 19344236). In COL1A2, variants affecting these glycine residues are significantly enriched in individuals with disease (PMID: 9016532, 17078022) compared to the general population (ExAC). For these reasons, this variant has been classified as Pathogenic.

Literature cited by the submitters: PubMed 8800927; PubMed 7695699; PubMed 8218237; PubMed 19344236; PubMed 9016532; PubMed 17078022.